The following is an entry in ClinVar:

NM_004171.4(SLC1A2):c.1315G>A (p.Ala439Thr)

Gene: SLC1A2 (solute carrier family 1 member 2; minus strand). Cytogenetic location: 11p13.
Variant type: single nucleotide variant.
Coding change: c.1315G>A on transcript NM_004171.4 (MANE Select); coding-DNA position 1315, G replaced by A.
Protein change: p.Ala439Thr; replaces alanine 439 with threonine.
Molecular consequence: missense variant.
Genome position (GRCh38, 1-based): chr11:35,280,973, C>T on the plus strand (G>A on the coding strand, the complement: SLC1A2 is on the minus strand). VCF-style: chr11-35280973-C-T. GRCh37 (hg19) VCF-style: chr11-35302520-C-T.
Other names: c.1288G>A, p.Ala430Thr (NM_001195728.3, NM_001252652.2, NM_001439341.1); c.1303G>A, p.Ala435Thr (NM_001439342.1); c.1081G>A, p.Ala361Thr (NM_001439343.1); short protein forms A430T, A435T, A439T, A361T.
Identifiers: ClinVar variation 4764395 (VCV004764395.1).

ClinVar aggregate classification (germline): Uncertain significance (1 of 4 stars; one submission).

gnomAD v4.1: 9 of 1,610,360 alleles (0.00056%); highest among the groups gnomAD compares: Admixed American, 0.0017%; no homozygotes.

Submission:

Labcorp Genetics (formerly Invitae), Labcorp
Classification: Uncertain significance. Last evaluated: 2025-09-27. Review status: criteria provided, single submitter. Criteria: Invitae Variant Classification Sherloc (09022015). Collection method: clinical testing. Allele origin: germline.
Comment: This sequence change replaces alanine, which is neutral and non-polar, with threonine, which is neutral and polar, at codon 439 of the SLC1A2 protein (p.Ala439Thr). This variant is present in population databases (rs775465170, gnomAD 0.003%). This variant has not been reported in the literature in individuals affected with SLC1A2-related conditions. Invitae Evidence Modeling of protein sequence and biophysical properties (such as structural, functional, and spatial information, amino acid conservation, physicochemical variation, residue mobility, and thermodynamic stability) indicates that this missense variant is expected to disrupt SLC1A2 protein function with a positive predictive value of 80%. In summary, the available evidence is currently insufficient to determine the role of this variant in disease. Therefore, it has been classified as a Variant of Uncertain Significance.